The following is an entry in ClinVar:

NM_152564.5(VPS13B):c.5568T>C (p.Asp1856=)

Gene: VPS13B (vacuolar protein sorting 13 homolog B; plus strand). Cytogenetic location: 8q22.2.
Variant type: single nucleotide variant.
Coding change: c.5568T>C on transcript NM_152564.5 (MANE Select); coding-DNA position 5568, T replaced by C.
Protein change: p.Asp1856=; no amino-acid change (aspartic acid 1856 retained).
Molecular consequence: synonymous variant.
Genome position (GRCh38, 1-based): chr8:99,642,158, T>C. VCF-style: chr8-99642158-T-C. GRCh37 (hg19) VCF-style: chr8-100654386-T-C.
Other names: c.5643T>C, p.Asp1881= (NM_017890.5).
Identifiers: ClinVar variation 5000269 (VCV005000269.1).
Genomic context (GRCh38, chr8:99,642,158, plus strand): 5'-ACAAGAACAGAAGAATAATGAAAAAACAGACAAGAGTTCATTAAATCTCCCAGAAGTTGA[T>C]TCAGATGTTGCTAAGCCCAACCAGGCATGTATTTCCACGGTGACAGCAGAAGATCTCTTA-3'
Protein context (NP_689777.3, residues 1846-1866): DKSSLNLPEV[Asp1856=]SDVAKPNQAC

ClinVar aggregate classification (germline): Likely benign (1 of 4 stars; one submission).

Conditions:
VPS13B-related disorder. Also called: VPS13B-related condition.

Submission:

PreventionGenetics, part of Exact Sciences
Classification: Likely benign for VPS13B-related condition. Last evaluated: 2024-10-17. Review status: criteria provided, single submitter. Criteria: ACMG Guidelines, 2015. Collection method: clinical testing. Allele origin: germline.
Comment: This variant is classified as likely benign based on ACMG/AMP sequence variant interpretation guidelines (Richards et al. 2015 PMID: 25741868, with internal and published modifications).